The following is an entry in ClinVar:

NM_004525.3(LRP2):c.10346A>G (p.His3449Arg)

Gene: LRP2 (LDL receptor related protein 2; minus strand). Cytogenetic location: 2q31.1.
Variant type: single nucleotide variant.
Coding change: c.10346A>G on transcript NM_004525.3 (MANE Select); coding-DNA position 10346, A replaced by G.
Protein change: p.His3449Arg; replaces histidine 3449 with arginine.
Molecular consequence: missense variant.
Genome position (GRCh38, 1-based): chr2:169,177,850, T>C on the plus strand (A>G on the coding strand, the complement: LRP2 is on the minus strand). VCF-style: chr2-169177850-T-C. GRCh37 (hg19) VCF-style: chr2-170034360-T-C.
Other names: c.10346A>G (NM_004525.2); short protein forms H3449R.
Identifiers: ClinVar variation 1497426 (VCV001497426.7), dbSNP rs2105288581, ClinGen allele CA349148825.

ClinVar aggregate classification (germline): Uncertain significance. Review status: criteria provided, multiple submitters, no conflicts (2 of 4 stars). 2 submissions from 2 submitters: Uncertain significance (2). Last evaluated 2024-03-07.

Allele frequency attached by ClinVar (database versions not stated): gnomAD exomes 0.00001.
gnomAD v4.1: 9 of 1,614,254 alleles (0.00056%); highest among the groups gnomAD compares: Non-Finnish European, 0.00076%; no homozygotes.

Submissions (2):

GeneDx
Classification: Uncertain significance. Last evaluated: 2024-03-07. Review status: criteria provided, single submitter. Criteria: GeneDx Variant Classification Process June 2021. Collection method: clinical testing. Allele origin: germline. Affected: yes.
Comment: Not observed at significant frequency in large population cohorts (gnomAD); In silico analysis supports that this missense variant has a deleterious effect on protein structure/function; Has not been previously published as pathogenic or benign to our knowledge

Labcorp Genetics (formerly Invitae), Labcorp
Classification: Uncertain significance. Last evaluated: 2021-04-13. Review status: criteria provided, single submitter. Criteria: Invitae Variant Classification Sherloc (09022015). Collection method: clinical testing. Allele origin: germline.
Comment: Advanced modeling of protein sequence and biophysical properties (such as structural, functional, and spatial information, amino acid conservation, physicochemical variation, residue mobility, and thermodynamic stability) performed at Invitae indicates that this missense variant is expected to disrupt LRP2 protein function. This variant has not been reported in the literature in individuals with LRP2-related conditions. This variant is not present in population databases (ExAC no frequency). This sequence change replaces histidine with arginine at codon 3449 of the LRP2 protein (p.His3449Arg). The histidine residue is highly conserved and there is a small physicochemical difference between histidine and arginine. In summary, the available evidence is currently insufficient to determine the role of this variant in disease. Therefore, it has been classified as a Variant of Uncertain Significance.